The following is an entry in ClinVar:

NM_000748.3(CHRNB2):c.1033G>A (p.Ala345Thr)

Gene: CHRNB2 (cholinergic receptor nicotinic beta 2 subunit; plus strand). Cytogenetic location: 1q21.3.
Variant type: single nucleotide variant.
Coding change: c.1033G>A on transcript NM_000748.3 (MANE Select); coding-DNA position 1033, G replaced by A.
Protein change: p.Ala345Thr; replaces alanine 345 with threonine.
Molecular consequence: missense variant.
Genome position (GRCh38, 1-based): chr1:154,571,856, G>A. VCF-style: chr1-154571856-G-A. GRCh37 (hg19) VCF-style: chr1-154544332-G-A.
Other names: short protein forms A345T.
Identifiers: ClinVar variation 639558 (VCV000639558.1), dbSNP rs927693883, ClinGen allele CA30834835.

ClinVar aggregate classification (germline): Uncertain significance (1 of 4 stars; one submission).

Conditions:
Familial sleep-related hypermotor epilepsy. Also called: Autosomal Dominant Sleep-Related Hypermotor (Hyperkinetic) Epilepsy. Identifiers: Orphanet 98784, MedGen C3696898, MONDO:0000030.

Allele frequency attached by ClinVar (database versions not stated): gnomAD exomes below 0.00001.
gnomAD v4.1: 3 of 1,608,690 alleles (0.00019%); highest among the groups gnomAD compares: Non-Finnish European, 0.00025%; no homozygotes.

Submission:

Labcorp Genetics (formerly Invitae), Labcorp
Classification: Uncertain significance. Last evaluated: 2018-08-07. Review status: criteria provided, single submitter. Criteria: Invitae Variant Classification Sherloc (09022015). Collection method: clinical testing. Allele origin: germline.
Comment: This sequence change replaces alanine with threonine at codon 345 of the CHRNB2 protein (p.Ala345Thr). The alanine residue is moderately conserved and there is a small physicochemical difference between alanine and threonine. This variant is not present in population databases (ExAC no frequency). This variant has not been reported in the literature in individuals with CHRNB2-related disease. Algorithms developed to predict the effect of missense changes on protein structure and function output the following: SIFT: "Tolerated"; PolyPhen-2: "Benign"; Align-GVGD: "Class C0". The threonine amino acid residue is found in multiple mammalian species, suggesting that this missense change does not adversely affect protein function. These predictions have not been confirmed by published functional studies and their clinical significance is uncertain. In summary, the available evidence is currently insufficient to determine the role of this variant in disease. Therefore, it has been classified as a Variant of Uncertain Significance.